The following is an entry in ClinVar:

NM_001199107.2(TBC1D24):c.1505dup (p.Ser503fs)

Gene: TBC1D24 (TBC1 domain family member 24; plus strand). Cytogenetic location: 16p13.3.
Variant type: Duplication.
Coding change: c.1505dup on transcript NM_001199107.2 (MANE Select); coding-DNA position 1505, one base duplicated (G; older notation c.1505dupG).
Protein change: p.Ser503fs; shifts the reading frame from serine 503.
Molecular consequence: frameshift variant.
Genome position (GRCh38, 1-based): chr16:2,500,470, G duplicated; the last of 6 consecutive G bases (chr16:2,500,465-2,500,470); duplicating any one gives the same sequence. VCF-style (leftmost placement, unchanged base first): chr16-2500464-C-CG. GRCh37 (hg19) VCF-style: chr16-2550465-C-CG.
Other names: c.1487dup, p.Ser497fs (NM_020705.3); c.1505dup (NM_001199107.1); short protein forms S497fs, S503fs.
Identifiers: ClinVar variation 1966628 (VCV001966628.6), dbSNP rs2505527421, ClinGen allele CA2572454991.

ClinVar aggregate classification (germline): Pathogenic/Likely pathogenic. Review status: criteria provided, multiple submitters, no conflicts (2 of 4 stars). 2 submissions from 2 submitters: Pathogenic (1); Likely pathogenic (1). Last evaluated 2025-07-01.

Conditions:
Developmental and epileptic encephalopathy, 1 (DEE1). Also called: X-linked infantile spasms; West's syndrome; Tonic spasms with clustering, arrest of psychomotor development and hypsarrhythmia on EEG; X-Linked Infantile Spasm Syndrome; OHTAHARA SYNDROME, X-LINKED; INFANTILE SPASM SYNDROME, X-LINKED 1. Identifiers: MedGen C3463992, MONDO:0010632, OMIM 308350. Disease mechanism: loss of function.
Autosomal dominant nonsyndromic hearing loss 65. Also called: Deafness, autosomal dominant 65; TBC1D24-Related Autosomal Dominant Nonsyndromic Hearing Loss (DFNA). Identifiers: Orphanet 90635, MedGen C3892048, MONDO:0014470, OMIM 616044.

Submissions (2):

GeneDx
Classification: Likely pathogenic. Last evaluated: 2025-07-01. Review status: criteria provided, single submitter. Criteria: GeneDx Variant Classification Process June 2021. Collection method: clinical testing. Allele origin: germline. Affected: yes.
Comment: Frameshift variant predicted to result in protein truncation, as the last 57 amino acids are replaced with 54 different amino acids, and other loss-of-function variants have been reported downstream in HGMD; Not observed at significant frequency in large population cohorts (gnomAD); Has not been previously published as pathogenic or benign to our knowledge

Labcorp Genetics (formerly Invitae), Labcorp
Classification: Pathogenic for Developmental and epileptic encephalopathy, 1; Autosomal dominant nonsyndromic hearing loss 65. Last evaluated: 2023-05-15. Review status: criteria provided, single submitter. Criteria: Invitae Variant Classification Sherloc (09022015). Collection method: clinical testing. Allele origin: germline.
Comment: This sequence change creates a premature translational stop signal (p.Ser503Glnfs*55) in the TBC1D24 gene. While this is not anticipated to result in nonsense mediated decay, it is expected to disrupt the last 57 amino acid(s) of the TBC1D24 protein. For these reasons, this variant has been classified as Pathogenic. This variant disrupts a region of the TBC1D24 protein in which other variant(s) (p.Ala515Val) have been determined to be pathogenic (PMID: 20727515, 27281533, 31112829; Invitae). This suggests that this is a clinically significant region of the protein, and that variants that disrupt it are likely to be disease-causing. ClinVar contains an entry for this variant (Variation ID: 1966628). This variant has not been reported in the literature in individuals affected with TBC1D24-related conditions. This variant is not present in population databases (gnomAD no frequency).

Literature cited by the submitters: PubMed 20727515 (cited by Labcorp Genetics (formerly Invitae), Labcorp); PubMed 27281533 (cited by Labcorp Genetics (formerly Invitae), Labcorp); PubMed 31112829 (cited by Labcorp Genetics (formerly Invitae), Labcorp).